The following is an entry in ClinVar:

ClinVar aggregate classification (germline): Uncertain significance. Review status: criteria provided, multiple submitters, no conflicts (2 of 4 stars). 2 submissions from 2 submitters: Uncertain significance (2). Last evaluated 2025-09-10.

Conditions:
Dyskeratosis congenita. Identifiers: Orphanet 1775, MedGen C0265965, MONDO:0015780.
Dyskeratosis congenita, autosomal dominant 3. Identifiers: MedGen C3151445, MONDO:0013522, OMIM 613990.

Allele frequency attached by ClinVar (database versions not stated): gnomAD exomes below 0.00001; ExAC 0.00001.
gnomAD v4.1: 2 of 1,614,050 alleles (0.00012%); highest among the groups gnomAD compares: South Asian, 0.0011%; no homozygotes.

Submissions (2):

Genomic Medicine Center of Excellence, King Faisal Specialist Hospital and Research Centre
Classification: Uncertain significance for Dyskeratosis congenita, autosomal dominant 3. Last evaluated: 2025-09-10. Review status: criteria provided, single submitter. Criteria: ACMG Guidelines, 2015. Collection method: clinical testing. Allele origin: germline.

Labcorp Genetics (formerly Invitae), Labcorp
Classification: Uncertain significance for Dyskeratosis congenita. Last evaluated: 2019-08-22. Review status: criteria provided, single submitter. Criteria: Invitae Variant Classification Sherloc (09022015). Collection method: clinical testing. Allele origin: germline.
Comment: In summary, the available evidence is currently insufficient to determine the role of this variant in disease. Therefore, it has been classified as a Variant of Uncertain Significance. The current clinical and genetic evidence is not sufficient to establish whether loss-of-function variants in TINF2 cause disease. Algorithms developed to predict the effect of sequence changes on RNA splicing suggest that this variant may disrupt the consensus splice site, but this prediction has not been confirmed by published transcriptional studies. This variant has not been reported in the literature in individuals with TINF2-related conditions. This variant is present in population databases (rs769640244, ExAC 0.006%). This sequence change affects an acceptor splice site in intron 7 of the TINF2 gene. It is expected to disrupt RNA splicing and likely results in an absent or disrupted protein product.

NM_001099274.3(TINF2):c.1130-1G>T

Gene: TINF2 (TERF1 interacting nuclear factor 2; minus strand). Cytogenetic location: 14q12.
Variant type: single nucleotide variant.
Coding change: c.1130-1G>T on transcript NM_001099274.3 (MANE Select); the canonical splice acceptor site of the intron before coding-DNA position 1130, G replaced by T.
Molecular consequence: splice acceptor variant. On other transcripts: 3 prime UTR variant (1).
Genome position (GRCh38, 1-based): chr14:24,240,156, C>A on the plus strand (G>T on the coding strand, the complement: TINF2 is on the minus strand). VCF-style: chr14-24240156-C-A. GRCh37 (hg19) VCF-style: chr14-24709362-C-A.
Other names: c.*259G>T (NM_012461.3); c.1025-1G>T (NM_001363668.2).
Identifiers: ClinVar variation 962397 (VCV000962397.9), dbSNP rs769640244, ClinGen allele CA7130478.